The following is an entry in ClinVar:

NM_001035.3(RYR2):c.6506A>G (p.Glu2169Gly)

Gene: RYR2 (ryanodine receptor 2; plus strand). Cytogenetic location: 1q43.
Variant type: single nucleotide variant.
Coding change: c.6506A>G on transcript NM_001035.3 (MANE Select); coding-DNA position 6506, A replaced by G.
Protein change: p.Glu2169Gly; replaces glutamic acid 2169 with glycine.
Molecular consequence: missense variant.
Genome position (GRCh38, 1-based): chr1:237,631,492, A>G. VCF-style: chr1-237631492-A-G. GRCh37 (hg19) VCF-style: chr1-237794792-A-G.
Other names: c.6506A>G, p.Glu2169Gly (LRG_402t1); short protein forms E2169G.
Identifiers: ClinVar variation 419916 (VCV000419916.15), dbSNP rs1064794183, ClinGen allele CA16617104.

ClinVar aggregate classification (germline): Uncertain significance. Review status: criteria provided, multiple submitters, no conflicts (2 of 4 stars). 4 submissions from 4 submitters: Uncertain significance (4). Last evaluated 2022-12-16.

Conditions:
Cardiomyopathy (CMYO). Also called: Cardiomyopathies. Identifiers: Orphanet 167848, MedGen C0878544, MONDO:0004994, HP:0001638. Inheritance: Various modes of inheritance.
Catecholaminergic polymorphic ventricular tachycardia 1. Also called: RYR2-Related Catecholaminergic Polymorphic Ventricular Tachycardia; VENTRICULAR TACHYCARDIA, STRESS-INDUCED POLYMORPHIC 1; VENTRICULAR TACHYCARDIA, CATECHOLAMINERGIC POLYMORPHIC, 1, WITH OR WITHOUT ATRIAL DYSFUNCTION AND/OR DILATED CARDIOMYOPATHY. Identifiers: Orphanet 3286, MedGen C1631597, MONDO:0011484, OMIM 604772.

Allele frequency attached by ClinVar (database versions not stated): gnomAD exomes below 0.00001.
gnomAD v4.1: 2 of 1,613,726 alleles (0.00012%); highest among the groups gnomAD compares: Non-Finnish European, 0.00017%; no homozygotes.

Submissions (4):

Labcorp Genetics (formerly Invitae), Labcorp
Classification: Uncertain significance for Catecholaminergic polymorphic ventricular tachycardia 1. Last evaluated: 2022-12-16. Review status: criteria provided, single submitter. Criteria: Invitae Variant Classification Sherloc (09022015). Collection method: clinical testing. Allele origin: germline.
Comment: This variant has not been reported in the literature in individuals affected with RYR2-related conditions. In summary, the available evidence is currently insufficient to determine the role of this variant in disease. Therefore, it has been classified as a Variant of Uncertain Significance. Advanced modeling of protein sequence and biophysical properties (such as structural, functional, and spatial information, amino acid conservation, physicochemical variation, residue mobility, and thermodynamic stability) performed at Invitae indicates that this missense variant is expected to disrupt RYR2 protein function. ClinVar contains an entry for this variant (Variation ID: 419916). This variant is not present in population databases (gnomAD no frequency). This sequence change replaces glutamic acid, which is acidic and polar, with glycine, which is neutral and non-polar, at codon 2169 of the RYR2 protein (p.Glu2169Gly).

Color Diagnostics, LLC DBA Color Health
Classification: Uncertain significance for Cardiomyopathy. Last evaluated: 2019-11-11. Review status: criteria provided, single submitter. Criteria: ACMG Guidelines, 2015. Collection method: clinical testing. Allele origin: germline.
Comment: This missense variant replaces glutamic acid with glycine at codon 2169 of the RYR2 protein. Computational prediction suggests that this variant may have deleterious impact on protein structure and function (internally defined REVEL score threshold >= 0.7, PMID: 27666373). Splice site prediction tools suggest that this variant may not impact RNA splicing. To our knowledge, functional studies have not been performed for this variant. This variant has been reported in an individual affected with sudden cardiac death and had postmortem findings suggestive of hypertrophic cardiomyopathy (PMID: 27332903). This variant has not been identified in the general population by the Genome Aggregation Database (gnomAD). The available evidence is insufficient to determine the role of this variant in disease conclusively. Therefore, this variant is classified as a Variant of Uncertain Significance.

ARUP Laboratories, Molecular Genetics and Genomics, ARUP Laboratories
Classification: Uncertain significance. Last evaluated: 2017-10-16. Review status: criteria provided, single submitter. Criteria: ARUP Molecular Germline Variant Investigation Process. Collection method: clinical testing. Allele origin: germline.
Comment: The p.Glu2169Gly variant (rs1064794183) has been reported in an individual who experienced sudden cardiac death and had post mortem findings that were consistent with hypertrophic cardiomyopathy; however, this patient also harbored a known pathogenic variant in MYH7 (Bagnall 2016). The p.Glu2169Gly variant is absent from general population databases such as 1000 Genomes, the NHLBI GO Exome Sequencing Project (ESP), and the Genome Aggregation Database (gnomAD) browser, but it is classified as a variant of uncertain significance in ClinVar (Variant ID: 419916). The glutamic acid at codon 2169 is highly conserved considering 10 species up to chicken (Alamut software v2.10.0), and computational analyses predict that this variant does affect the structure/function of the RYR2 protein (SIFT: damaging, PolyPhen2: probably damaging, MutationTaster: disease causing). However, based on the available information, the clinical significance of the p.Glu2169Gly variant cannot be determined with certainty.

GeneDx
Classification: Uncertain significance. Last evaluated: 2017-02-20. Review status: criteria provided, single submitter. Criteria: GeneDx Variant Classification (06012015). Collection method: clinical testing. Allele origin: germline. Affected: yes.
Comment: This variant is not observed in large population cohorts (Lek et al., 2016; 1000 Genomes Consortium et al., 2015; Exome Variant Server). Furthermore, E2169G is a non-conservative amino acid substitution, which is likely to impact secondary protein structure as these residues differ in polarity, charge, size and/or other properties. This substitution also occurs at a position that is conserved across species. In silico analysis predicts this variant is probably damaging to the protein structure/function. Nevertheless, E2169G is not located in one of the three hot-spot regions of the RYR2 gene, where the majority of pathogenic missense variants occur (Medeiros- Domingo et al., 2009). Therefore, based on the currently available information, it is unclear whether this variant is pathogenic or rare benign.